The following is an entry in ClinVar:

ClinVar aggregate classification (germline): Uncertain significance. Review status: criteria provided, multiple submitters, no conflicts (2 of 4 stars). 2 submissions from 2 submitters: Uncertain significance (2). Last evaluated 2024-06-25.

Conditions:
Hereditary cancer-predisposing syndrome. Also called: Tumor predisposition; Hereditary neoplastic syndrome; Neoplastic Syndromes, Hereditary; Hereditary Cancer Syndrome. Identifiers: Orphanet 140162, MedGen C0027672, MeSH D009386, MONDO:0015356.

Submissions (2):

Ambry Genetics
Classification: Uncertain significance for Hereditary cancer-predisposing syndrome. Last evaluated: 2024-06-25. Review status: criteria provided, single submitter. Criteria: Ambry Variant Classification Scheme 2023. Collection method: clinical testing. Allele origin: germline.
Comment: The p.V195I variant (also known as c.583G>A), located in coding exon 5 of the RAD50 gene, results from a G to A substitution at nucleotide position 583. The valine at codon 195 is replaced by isoleucine, an amino acid with highly similar properties. This amino acid position is conserved. In addition, this alteration is predicted to be tolerated by in silico analysis. Based on the available evidence, the clinical significance of this variant remains unclear.

Labcorp Genetics (formerly Invitae), Labcorp
Classification: Uncertain significance for Hereditary cancer-predisposing syndrome. Last evaluated: 2022-03-19. Review status: criteria provided, single submitter. Criteria: Invitae Variant Classification Sherloc (09022015). Collection method: clinical testing. Allele origin: germline.
Comment: In summary, the available evidence is currently insufficient to determine the role of this variant in disease. Therefore, it has been classified as a Variant of Uncertain Significance. Algorithms developed to predict the effect of sequence changes on RNA splicing suggest that this variant may disrupt the consensus splice site. Algorithms developed to predict the effect of missense changes on protein structure and function (SIFT, PolyPhen-2, Align-GVGD) all suggest that this variant is likely to be tolerated. ClinVar contains an entry for this variant (Variation ID: 950625). This variant has not been reported in the literature in individuals affected with RAD50-related conditions. This variant is not present in population databases (gnomAD no frequency). This sequence change replaces valine, which is neutral and non-polar, with isoleucine, which is neutral and non-polar, at codon 195 of the RAD50 protein (p.Val195Ile).

NM_005732.4(RAD50):c.583G>A (p.Val195Ile)

Gene: RAD50 (RAD50 double strand break repair protein; plus strand). Cytogenetic location: 5q31.1.
Variant type: single nucleotide variant.
Coding change: c.583G>A on transcript NM_005732.4 (MANE Select); coding-DNA position 583, G replaced by A.
Protein change: p.Val195Ile; replaces valine 195 with isoleucine.
Molecular consequence: missense variant.
Genome position (GRCh38, 1-based): chr5:132,579,893, G>A. VCF-style: chr5-132579893-G-A. GRCh37 (hg19) VCF-style: chr5-131915585-G-A.
Other names: short protein forms V195I.
Identifiers: ClinVar variation 950625 (VCV000950625.11), dbSNP rs1016811204, ClinGen allele CA127237788.